The following is an entry in ClinVar:

NM_177438.3(DICER1):c.1424G>A (p.Ser475Asn)

Gene: DICER1 (dicer 1, ribonuclease III; minus strand). Cytogenetic location: 14q32.13.
Variant type: single nucleotide variant.
Coding change: c.1424G>A on transcript NM_177438.3 (MANE Select); coding-DNA position 1424, G replaced by A.
Protein change: p.Ser475Asn; replaces serine 475 with asparagine.
Molecular consequence: missense variant. On other transcripts: 5 prime UTR variant (1), non-coding transcript variant (6).
Genome position (GRCh38, 1-based): chr14:95,117,707, C>T on the plus strand (G>A on the coding strand, the complement: DICER1 is on the minus strand). VCF-style: chr14-95117707-C-T. GRCh37 (hg19) VCF-style: chr14-95584044-C-T.
Other names: c.1424G>A, p.Ser475Asn (NM_001195573.1, NM_001271282.3, NM_001291628.2 and 13 more transcripts); c.1142G>A, p.Ser381Asn (NM_001395686.1); c.1019G>A, p.Ser340Asn (NM_001395687.1, NM_001395688.1, NM_001395689.1 and 3 more transcripts); c.857G>A, p.Ser286Asn (NM_001395691.1); c.-145G>A (NM_001395697.1); short protein forms S286N, S381N, S475N, S340N.
Identifiers: ClinVar variation 1772337 (VCV001772337.2), dbSNP rs2543062795, ClinGen allele CA390885604.
Genomic context (GRCh38, chr14:95,117,707, plus strand): 5'-TCCATCTGTTTGTTGCGAGGCTGATTCTTCCCAATGCCATGTCCAGTTATGAAATTGCTA[C>T]TGATATAAGCCAGCTCTGGATCTTGTTTGCCAGCTTCCTTTATCAATCTAAGAAAATTAT-3'
Protein context (NP_803187.1, residues 465-485): GKQDPELAYI[Ser475Asn]SNFITGHGIG

ClinVar aggregate classification (germline): Uncertain significance (1 of 4 stars; one submission).

Conditions:
Hereditary cancer-predisposing syndrome. Also called: Hereditary Cancer Syndrome; Hereditary neoplastic syndrome; Neoplastic Syndromes, Hereditary; Tumor predisposition. Identifiers: Orphanet 140162, MedGen C0027672, MeSH D009386, MONDO:0015356.

Submission:

Ambry Genetics
Classification: Uncertain significance for Hereditary cancer-predisposing syndrome. Last evaluated: 2021-11-24. Review status: criteria provided, single submitter. Criteria: Ambry Variant Classification Scheme 2023. Collection method: clinical testing. Allele origin: germline.
Comment: The p.S475N variant (also known as c.1424G>A), located in coding exon 8 of the DICER1 gene, results from a G to A substitution at nucleotide position 1424. The serine at codon 475 is replaced by asparagine, an amino acid with highly similar properties. This amino acid position is highly conserved in available vertebrate species. In addition, this alteration is predicted to be tolerated by in silico analysis. Since supporting evidence is limited at this time, the clinical significance of this alteration remains unclear.